The following is an entry in ClinVar:

ClinVar aggregate classification (germline): Uncertain significance. Review status: criteria provided, multiple submitters, no conflicts (2 of 4 stars). 3 submissions from 3 submitters: Uncertain significance (3). Last evaluated 2024-11-25.

Conditions:
Larsen-like syndrome, B3GAT3 type. Also called: MULTIPLE JOINT DISLOCATIONS, SHORT STATURE, AND CRANIOFACIAL DYSMORPHISM WITH OR WITHOUT CONGENITAL HEART DEFECTS; Multiple joint dislocations, short stature, craniofacial dysmorphism, with or without congenital heart defects. Identifiers: Orphanet 284139, MedGen CN034159, MONDO:0009511, OMIM 245600.

Allele frequency attached by ClinVar (database versions not stated): gnomAD exomes 0.00013; ESP Exome Variant Server 0.00015; ExAC 0.00016; TOPMed 0.00020; gnomAD 0.00025 and 0.00027; 1000 Genomes Project 30x 0.00047; 1000 Genomes Project 0.00060.
gnomAD v4.1: 246 of 1,612,344 alleles (0.015%); highest among the groups gnomAD compares: Middle Eastern, 0.033%; no homozygotes.

Submissions (3):

Blueprint Genetics
Classification: Uncertain significance. Last evaluated: 2024-11-25. Review status: criteria provided, single submitter. Criteria: ACMG Guidelines, 2015. Collection method: clinical testing. Allele origin: germline.

GeneDx
Classification: Uncertain significance. Last evaluated: 2024-11-19. Review status: criteria provided, single submitter. Criteria: GeneDx Variant Classification Process June 2021. Collection method: clinical testing. Allele origin: germline. Affected: yes.
Comment: In silico analysis indicates that this missense variant does not alter protein structure/function; Has not been previously published as pathogenic or benign to our knowledge

Labcorp Genetics (formerly Invitae), Labcorp
Classification: Uncertain significance for Larsen-like syndrome, B3GAT3 type. Last evaluated: 2022-10-13. Review status: criteria provided, single submitter. Criteria: Invitae Variant Classification Sherloc (09022015). Collection method: clinical testing. Allele origin: germline.
Comment: This sequence change replaces alanine, which is neutral and non-polar, with valine, which is neutral and non-polar, at codon 56 of the B3GAT3 protein (p.Ala56Val). This variant is present in population databases (rs147526003, gnomAD 0.03%). This variant has not been reported in the literature in individuals affected with B3GAT3-related conditions. ClinVar contains an entry for this variant (Variation ID: 1040028). Advanced modeling of protein sequence and biophysical properties (such as structural, functional, and spatial information, amino acid conservation, physicochemical variation, residue mobility, and thermodynamic stability) performed at Invitae indicates that this missense variant is not expected to disrupt B3GAT3 protein function. In summary, the available evidence is currently insufficient to determine the role of this variant in disease. Therefore, it has been classified as a Variant of Uncertain Significance.

NM_012200.4(B3GAT3):c.167C>T (p.Ala56Val)

Gene: B3GAT3 (beta-1,3-glucuronyltransferase 3; minus strand). Cytogenetic location: 11q12.3.
Variant type: single nucleotide variant.
Coding change: c.167C>T on transcript NM_012200.4 (MANE Select); coding-DNA position 167, C replaced by T.
Protein change: p.Ala56Val; replaces alanine 56 with valine.
Molecular consequence: missense variant. On other transcripts: non-coding transcript variant (1).
Genome position (GRCh38, 1-based): chr11:62,620,587, G>A on the plus strand (C>T on the coding strand, the complement: B3GAT3 is on the minus strand). VCF-style: chr11-62620587-G-A. GRCh37 (hg19) VCF-style: chr11-62388059-G-A.
Other names: c.146C>T, p.Ala49Val (NM_001288721.2); c.167C>T, p.Ala56Val (NM_001288722.2, NM_001288723.2); short protein forms A56V, A49V.
Identifiers: ClinVar variation 1040028 (VCV001040028.7), dbSNP rs147526003, ClinGen allele CA6050195.
Genomic context (GRCh38, chr11:62,620,587, plus strand): 5'-GTAGGCAGGGCCTCGGGTTCAGGGGGCTGGGCAGGGGCAGGGGGTGGCCGTCGGAGTTCC[G>A]CTTGCAGCTGGGAAATCCTCAGATCCTTCTGCCGTAGCTGCTCGGCTGCTGCCCGCAGGG-3'
Protein context (NP_036332.2, residues 46-66): QKDLRISQLQ[Ala56Val]ELRRPPPAPA